The following is an entry in ClinVar:

ClinVar aggregate classification (germline): Benign/Likely benign. Review status: criteria provided, multiple submitters, no conflicts (2 of 4 stars). 5 submissions from 5 submitters: Benign (2); Likely benign (2). 1 of the submissions does not count toward it. Last evaluated 2026-01-05.

Conditions:
WARS2-related disorder. Also called: WARS2-related disorders; WARS2 related condition.

Allele frequency attached by ClinVar (database versions not stated): 1000 Genomes Project 0.00160; TOPMed 0.00411; 1000 Genomes Project 30x 0.00203; ESP Exome Variant Server 0.00377.

Submissions (5):

Labcorp Genetics (formerly Invitae), Labcorp
Classification: Benign. Last evaluated: 2026-01-05. Review status: criteria provided, single submitter. Criteria: Invitae Variant Classification Sherloc (09022015). Collection method: clinical testing. Allele origin: germline.

CeGaT Center for Human Genetics Tuebingen
Classification: Likely benign. Last evaluated: 2025-07-01. Review status: criteria provided, single submitter. Criteria: CeGaT Center For Human Genetics Tuebingen Variant Classification Criteria Version 2. Collection method: clinical testing. Allele origin: germline. Affected: yes. Observed: 2 variant alleles.
Comment: WARS2: BP4, BP7, BS1

Blueprint Genetics
Classification: Likely benign. Last evaluated: 2024-11-26. Review status: criteria provided, single submitter. Criteria: ACMG Guidelines, 2015. Collection method: clinical testing. Allele origin: germline.

Breakthrough Genomics
Classification: Benign. Review status: criteria provided, single submitter. Criteria: ACMG Guidelines, 2015. Collection method: not provided. Allele origin: germline. Inheritance: Autosomal recessive inheritance. Affected: yes.

PreventionGenetics, part of Exact Sciences
Classification: Benign for WARS2-related condition. Last evaluated: 2019-11-07. Review status: no assertion criteria provided. Collection method: clinical testing. Allele origin: germline. Not counted in ClinVar's aggregate classification.
Comment: This variant is classified as benign based on ACMG/AMP sequence variant interpretation guidelines (Richards et al. 2015 PMID: 25741868, with internal and published modifications).

NM_015836.4(WARS2):c.147G>C (p.Leu49=)

Gene: WARS2 (tryptophanyl tRNA synthetase 2, mitochondrial; minus strand). Cytogenetic location: 1p12.
Variant type: single nucleotide variant.
Coding change: c.147G>C on transcript NM_015836.4 (MANE Select); coding-DNA position 147, G replaced by C.
Protein change: p.Leu49=; no amino-acid change (leucine 49 retained).
Molecular consequence: synonymous variant. On other transcripts: 5 prime UTR variant (1), intron variant (1).
Genome position (GRCh38, 1-based): chr1:119,076,551, C>G on the plus strand (G>C on the coding strand, the complement: WARS2 is on the minus strand). VCF-style: chr1-119076551-C-G. GRCh37 (hg19) VCF-style: chr1-119619174-C-G.
Other names: c.78G>C, p.Leu26= (NM_001378226.1, NM_001378227.1); c.147G>C, p.Leu49= (NM_001378228.1, NM_001378231.1, NM_201263.2); c.-136G>C (NM_001378230.1); c.91-30889G>C (NM_001378229.1).
Identifiers: ClinVar variation 786469 (VCV000786469.36), dbSNP rs139975529, ClinGen allele CA1035379.